The following is an entry in ClinVar:

ClinVar aggregate classification (germline): Uncertain significance (1 of 4 stars; one submission).

Conditions:
Cardiovascular phenotype. Identifiers: MedGen CN230736.

Submission:

Ambry Genetics
Classification: Uncertain significance for Cardiovascular phenotype. Last evaluated: 2026-07-26. Review status: criteria provided, single submitter. Criteria: Ambry Variant Classification Scheme 2023. Collection method: clinical testing. Allele origin: germline.
Comment: The p.I683L variant (also known as c.2047A>C), located in coding exon 13 of the FLNC gene, results from an A to C substitution at nucleotide position 2047. The isoleucine at codon 683 is replaced by leucine, an amino acid with highly similar properties. This amino acid position is conserved. In addition, the in silico prediction for this alteration is inconclusive. Based on the available evidence, the clinical significance of this variant remains unclear.

NM_001458.5(FLNC):c.2047A>C (p.Ile683Leu)

Gene: FLNC (filamin C; plus strand). Cytogenetic location: 7q32.1.
Variant type: single nucleotide variant.
Coding change: c.2047A>C on transcript NM_001458.5 (MANE Select); coding-DNA position 2047, A replaced by C.
Protein change: p.Ile683Leu; replaces isoleucine 683 with leucine.
Molecular consequence: missense variant.
Genome position (GRCh38, 1-based): chr7:128,841,493, A>C. VCF-style: chr7-128841493-A-C. GRCh37 (hg19) VCF-style: chr7-128481547-A-C.
Other names: c.2047A>C, p.Ile683Leu (NM_001127487.2); short protein forms I683L.
Identifiers: ClinVar variation 5021954 (VCV005021954.1).